The following is an entry in ClinVar:

NM_001018005.2(TPM1):c.777G>T (p.Glu259Asp)

Gene: TPM1 (tropomyosin 1; plus strand). Cytogenetic location: 15q22.2.
Variant type: single nucleotide variant.
Coding change: c.777G>T on transcript NM_001018005.2 (MANE Select); coding-DNA position 777, G replaced by T.
Protein change: p.Glu259Asp; replaces glutamic acid 259 with aspartic acid.
Molecular consequence: missense variant. On other transcripts: intron variant (12).
Genome position (GRCh38, 1-based): chr15:63,064,068, G>T. VCF-style: chr15-63064068-G-T. GRCh37 (hg19) VCF-style: chr15-63356267-G-T.
Other names: c.777G>T, p.Glu259Asp (NM_000366.6, NM_001301244.2, NM_001365779.1); c.669G>T, p.Glu223Asp (NM_001330346.2, NM_001365781.2, NM_001365782.1); c.898+1423G>T (NM_001365778.1); c.772+1423G>T (NM_001018020.2, NM_001018007.2, NM_001018006.2 and 3 more transcripts); c.664+1423G>T (NM_001330351.2, NM_001330344.2, NM_001018008.2 and 2 more transcripts); short protein forms E223D, E259D.
Identifiers: ClinVar variation 967022 (VCV000967022.10), dbSNP rs2035997247, ClinGen allele CA392725073.

ClinVar aggregate classification (germline): Uncertain significance. Review status: criteria provided, multiple submitters, no conflicts (2 of 4 stars). 2 submissions from 2 submitters: Uncertain significance (2). Last evaluated 2025-04-17.

Conditions:
Hypertrophic cardiomyopathy 3. Also called: TPM1-Related Familial Hypertrophic Cardiomyopathy. Identifiers: MedGen C1861863, MONDO:0007267, OMIM 115196.
Hypertrophic cardiomyopathy. Also called: HYPERTROPHIC MYOCARDIOPATHY. Identifiers: Orphanet 217569, MedGen C0007194, MeSH D002312, MONDO:0005045, HP:0001639.

Submissions (2):

Labcorp Genetics (formerly Invitae), Labcorp
Classification: Uncertain significance for Hypertrophic cardiomyopathy. Last evaluated: 2025-04-17. Review status: criteria provided, single submitter. Criteria: Invitae Variant Classification Sherloc (09022015). Collection method: clinical testing. Allele origin: germline.
Comment: This sequence change replaces glutamic acid, which is acidic and polar, with aspartic acid, which is acidic and polar, at codon 259 of the TPM1 protein (p.Glu259Asp). This variant is not present in population databases (gnomAD no frequency). This variant has not been reported in the literature in individuals affected with TPM1-related conditions. ClinVar contains an entry for this variant (Variation ID: 967022). An algorithm developed to predict the effect of missense changes on protein structure and function (PolyPhen-2) suggests that this variant is likely to be tolerated. In summary, the available evidence is currently insufficient to determine the role of this variant in disease. Therefore, it has been classified as a Variant of Uncertain Significance.

Baylor Genetics
Classification: Uncertain significance for Hypertrophic cardiomyopathy 3. Last evaluated: 2023-05-10. Review status: criteria provided, single submitter. Criteria: ACMG Guidelines, 2015. Collection method: clinical testing. Allele origin: unknown.